The following is an entry in ClinVar:

ClinVar aggregate classification (germline): Uncertain significance. Review status: criteria provided, multiple submitters, no conflicts (2 of 4 stars). 2 submissions from 2 submitters: Uncertain significance (2). Last evaluated 2024-11-27.

Conditions:
Inborn genetic diseases. Identifiers: MedGen C0950123, MeSH D030342.

Allele frequency attached by ClinVar (database versions not stated): TOPMed below 0.00001; gnomAD 0.00001; gnomAD exomes 0.00001; ExAC 0.00002.
gnomAD v4.1: 23 of 1,613,776 alleles (0.0014%); highest among the groups gnomAD compares: Non-Finnish European, 0.0018%; no homozygotes.

Submissions (2):

Ambry Genetics
Classification: Uncertain significance for Inborn genetic diseases. Last evaluated: 2024-11-27. Review status: criteria provided, single submitter. Criteria: Ambry Variant Classification Scheme 2023. Collection method: clinical testing. Allele origin: germline.

Labcorp Genetics (formerly Invitae), Labcorp
Classification: Uncertain significance. Last evaluated: 2022-05-28. Review status: criteria provided, single submitter. Criteria: Invitae Variant Classification Sherloc (09022015). Collection method: clinical testing. Allele origin: germline.
Comment: This sequence change replaces tyrosine, which is neutral and polar, with cysteine, which is neutral and slightly polar, at codon 519 of the SLC4A11 protein (p.Tyr519Cys). This variant is present in population databases (rs769436760, gnomAD 0.003%). This variant has not been reported in the literature in individuals affected with SLC4A11-related conditions. Algorithms developed to predict the effect of missense changes on protein structure and function output the following: SIFT: "Tolerated"; PolyPhen-2: "Benign"; Align-GVGD: "Class C0". The cysteine amino acid residue is found in multiple mammalian species, which suggests that this missense change does not adversely affect protein function. In summary, the available evidence is currently insufficient to determine the role of this variant in disease. Therefore, it has been classified as a Variant of Uncertain Significance.

NM_001174089.2(SLC4A11):c.1508A>G (p.Tyr503Cys)

Gene: SLC4A11 (solute carrier family 4 member 11; minus strand). Cytogenetic location: 20p13.
Variant type: single nucleotide variant.
Coding change: c.1508A>G on transcript NM_001174089.2 (MANE Select); coding-DNA position 1508, A replaced by G.
Protein change: p.Tyr503Cys; replaces tyrosine 503 with cysteine.
Molecular consequence: missense variant. On other transcripts: non-coding transcript variant (2).
Genome position (GRCh38, 1-based): chr20:3,229,758, T>C on the plus strand (A>G on the coding strand, the complement: SLC4A11 is on the minus strand). VCF-style: chr20-3229758-T-C. GRCh37 (hg19) VCF-style: chr20-3210404-T-C.
Other names: c.1637A>G, p.Tyr546Cys (NM_001174090.2); c.1394A>G, p.Tyr465Cys (NM_001363745.2); c.1451A>G, p.Tyr484Cys (NM_001400277.1, NM_001400278.1, NM_001400279.1); c.1523A>G, p.Tyr508Cys (NM_001400280.1); c.1556A>G, p.Tyr519Cys (NM_032034.4); c.1556A>G (NM_032034.3); short protein forms Y465C, Y503C, Y508C, Y484C, Y519C, Y546C.
Identifiers: ClinVar variation 1956847 (VCV001956847.3), dbSNP rs769436760, ClinGen allele CA9741805.
Genomic context (GRCh38, chr20:3,229,758, plus strand): 5'-CCTGACAGGCTGACAAGGGATGAAGTCCTTTTTGTGTGATAGTCGTCCAAGTAATGCCCA[T>C]AGTAGTACTTCCAGAAGACTGTGGACACACACCCACAGGCCTCAGCCCTCTCCAGCGTGT-3'
Protein context (NP_001167560.1, residues 493-513): GTVKIFWKYY[Tyr503Cys]GHYLDDYHTK